The following is an entry in ClinVar:

ClinVar aggregate classification (germline): Likely benign (0 of 4 stars; one submission).

Conditions:
SLCO1B3-related disorder. Also called: SLCO1B3-related condition.

Submission:

PreventionGenetics, part of Exact Sciences
Classification: Likely benign for SLCO1B3-related condition. Last evaluated: 2024-05-21. Review status: no assertion criteria provided. Collection method: clinical testing. Allele origin: germline.
Comment: This variant is classified as likely benign based on ACMG/AMP sequence variant interpretation guidelines (Richards et al. 2015 PMID: 25741868, with internal and published modifications).

NM_019844.4(SLCO1B3):c.1815C>T (p.Asn605=)

Genes: SLCO1B3 (solute carrier organic anion transporter family member 1B3; plus strand), SLCO1B3-SLCO1B7 (SLCO1B3-SLCO1B7 readthrough; plus strand). Cytogenetic location: 12p12.2.
Variant type: single nucleotide variant.
Coding change: c.1815C>T on transcript NM_019844.4 (MANE Select); coding-DNA position 1815, C replaced by T.
Protein change: p.Asn605=; no amino-acid change (asparagine 605 retained).
Molecular consequence: synonymous variant.
Genome position (GRCh38, 1-based): chr12:20,901,417, C>T. VCF-style: chr12-20901417-C-T. GRCh37 (hg19) VCF-style: chr12-21054351-C-T.
Other names: c.1815C>T, p.Asn605= (NM_001371097.1); c.1731C>T, p.Asn577= (NM_001349920.2).
Identifiers: ClinVar variation 3356506 (VCV003356506.1).
Genomic context (GRCh38, chr12:20,901,417, plus strand): 5'-TCTAGCTCCAATATATTTTGGGGCTCTGATTGATAAAACATGTATGAAGTGGTCCACCAA[C>T]AGCTGTGGAGCACAAGGGGCTTGTAGGATATATAATTCCGTATTTTTTGGGTAAGTTGTC-3'
Protein context (NP_062818.1, residues 595-615): IDKTCMKWST[Asn605=]SCGAQGACRI